The following is an entry in ClinVar:

ClinVar aggregate classification (germline): Conflicting classifications of pathogenicity. Review status: criteria provided, conflicting classifications (1 of 4 stars). 14 submissions from 14 submitters: Uncertain significance (8); Likely benign (1). 5 of the submissions do not count toward it. Last evaluated 2026-01-18.

Conditions:
GPD1L-related disorder. Also called: GPD1L-related condition.
Brugada syndrome (shorter-than-normal QT interval).
Cardiovascular phenotype. Identifiers: MedGen CN230736.
Brugada syndrome. Also called: Sudden Unexplained Death Syndrome; Sudden unexpected nocturnal death syndrome; Sudden Unexplained Nocturnal Death Syndrome (SUNDS); Sudden unexplained nocturnal death syndrome. Identifiers: Orphanet 130, MedGen C1142166, MONDO:0015263.
Long QT syndrome (LQTS). Identifiers: MedGen C0023976, MeSH D008133, MONDO:0002442. Disease mechanism: loss of function. Inheritance: Various modes of inheritance.
Death in infancy. Identifiers: MedGen C1858430, HP:0001522.
Brugada syndrome 2 (BRGDA2). Identifiers: Orphanet 130, MedGen C2673193, MONDO:0012728, OMIM 611777.

Allele frequency attached by ClinVar (database versions not stated): gnomAD exomes 0.00007 and 0.00014; TOPMed 0.00010; gnomAD 0.00011; 1000 Genomes Project 30x 0.00031; 1000 Genomes Project 0.00040; ExAC 0.00010.
gnomAD v4.1: 135 of 1,613,366 alleles (0.0084%); highest among the groups gnomAD compares: Middle Eastern, 0.13%; 1 homozygote.

Submissions 1 to 9 of 14:

Labcorp Genetics (formerly Invitae), Labcorp
Classification: Uncertain significance for Brugada syndrome. Last evaluated: 2026-01-18. Review status: criteria provided, single submitter. Criteria: Invitae Variant Classification Sherloc (09022015). Collection method: clinical testing. Allele origin: germline.
Comment: This sequence change replaces alanine, which is neutral and non-polar, with valine, which is neutral and non-polar, at codon 280 of the GPD1L protein (p.Ala280Val). This variant is present in population databases (rs72552291, gnomAD 0.02%). This missense change has been observed in individual(s) with Brugada syndrome (PMID: 17967977, 26743238, 27435932, 38962240). ClinVar contains an entry for this variant (Variation ID: 786). Invitae Evidence Modeling of protein sequence and biophysical properties (such as structural, functional, and spatial information, amino acid conservation, physicochemical variation, residue mobility, and thermodynamic stability) indicates that this missense variant is not expected to disrupt GPD1L protein function with a negative predictive value of 80%. Experimental studies have shown that this missense change affects GPD1L function (PMID: 17967977, 19666841, 19745168, 20724705). In summary, the available evidence is currently insufficient to determine the role of this variant in disease. Therefore, it has been classified as a Variant of Uncertain Significance.

GeneDx
Classification: Uncertain significance. Last evaluated: 2026-01-16. Review status: criteria provided, single submitter. Criteria: GeneDx Variant Classification Process June 2021. Collection method: clinical testing. Allele origin: germline. Affected: yes.
Comment: Observed in individuals in published literature who had a different genetic etiology for their phenotype (PMID: 28798025, 31618753); Functional studies suggest that p.(A280V) interferes with the trafficking of cardiac SCN5A sodium channels to the plasma membrane and reduces inward sodium current (PMID: 17967977, 19666841); In silico analysis suggests that this missense variant does not alter protein structure/function; This variant is associated with the following publications: (PMID: 22995991, 19745168, 23414114, 17967977, 27435932, 30662450, 30821013, 34426522, 31019026, 31980526, 28798025, 31618753, 19666841)

Revvity Omics, Revvity
Classification: Uncertain significance for Brugada syndrome 2. Last evaluated: 2025-03-31. Review status: criteria provided, single submitter. Criteria: ACMG Guidelines, 2015. Collection method: clinical testing. Allele origin: germline.

Ambry Genetics
Classification: Likely benign for Cardiovascular phenotype. Last evaluated: 2024-04-09. Review status: criteria provided, single submitter. Criteria: Ambry Variant Classification Scheme 2023. Collection method: clinical testing. Allele origin: germline.

Lildballe Lab, Aarhus University Hospital
Classification: Uncertain significance for Brugada syndrome. Last evaluated: 2024-03-01. Review status: criteria provided, single submitter. Criteria: ACMG Guidelines, 2015. Collection method: research. Allele origin: germline. Affected: yes.
Comment: PM2(s), BS2(s), PP5(noinf)

Dept of Medical Biology, Uskudar University
Classification: Uncertain significance for Long QT syndrome. Last evaluated: 2024-01-08. Review status: criteria provided, single submitter. Criteria: Dept of Medical Biology Variant Classification. Collection method: research. Allele origin: maternal. Affected: yes. Observed: 2 variant alleles.
Comment: Criteria: BP4

Victorian Clinical Genetics Services, Murdoch Childrens Research Institute
Classification: Uncertain significance for Brugada syndrome 2. Last evaluated: 2020-06-11. Review status: criteria provided, single submitter. Criteria: ACMG Guidelines, 2015. Collection method: clinical testing. Allele origin: germline. Inheritance: Autosomal dominant inheritance.
Comment: Based on the classification scheme VCGS_Germline_v1.1.1, this variant is classified as VUS - 3B. Following criteria are met: 0105 - The mechanism of disease for this gene is not clearly established. Functional analysis of a missense has proven a loss of function consequence, however the pathogenicity of this variant is uncertain (PMID: 17967977, PMID: 19666841). (N) 0107 - This gene is known to be associated with autosomal dominant disease. (N) 0112 - Variants in this gene are known to have reduced penetrance (PMID: 17967977), however only a single example has been observed. (N) 0200 - Variant is predicted to result in a missense amino acid change from an alanine to a valine (exon 6). (N) 0251 - Variant is heterozygous. (N) 0302 - Variant is present in gnomAD v2 <0.001 for a dominant condition (36 heterozygotes, 0 homozygotes). (P) 0309 - An alternative amino acid change at the same position has been observed in gnomAD v2 (12 heterozygotes, 0 homozygotes). (N) 0503 - Missense variant consistently predicted to be tolerated or not conserved in mammals with a minor amino acid change. (B) 0600 - Variant is located in an annotated domain or motif, (NAD_Gly3P_dh_C terminal domain; PDB). (N) 0705 - No comparable variants have previous evidence for pathogenicity. An alternative change (p.Ala280Thr) has been reported as a VUS in a patient who died suddenly (ClinVar). (N) 0808 - Previous reports of pathogenicity are conflicting. This variant has been reported in one large family, and several additional individuals who either died suddenly or had Brugada syndrome. However it has also been reported as a VUS, and as likely benign in an individual with left ventricular hypertrabeculation (ClinVar, PMID: 17967977, PMID: 27435932, PMID: 28798025, PMID: 26743238). (N) 1002 - Moderate functional evidence supporting abnormal protein function. This variant has been functionally proven in transfected HEK293 and COS7 cells to cause a signficant reductions in sodium current and channel formation. It also impairs SCN5A protein localization, and its ability to integrate into the channel (PMID: 17967977, PMID: 19666841). (P) 1208 - Inheritance information for this variant is not currently available. (N) Legend: (P) - Pathogenic, (N) - Neutral, (B) - Benign

Laboratory for Molecular Medicine, Mass General Brigham Personalized Medicine
Classification: Uncertain significance. Last evaluated: 2019-03-15. Review status: criteria provided, single submitter. Criteria: LMM Criteria. Collection method: clinical testing. Allele origin: germline. Observed: 1 variant allele.
Comment: The p.Ala280Val variant in GPD1L has been reported in 1 infant who died suddenly, 2 individuals with Brugada syndrome, and 1 individual with LVNC who also carried a likely pathogenic variant in TTN (Weiss 2002, London 2007, Alder 2016, Methner 2016. Miszalski-Jamka 2017). In vitro functional studies provide some evidence that the p.Ala280Val variant may impact protein function (London 2007, Liu 2009, Valdivia 2009); however, these types of assays may not accurately represent biological function. Furthermore, this variant has also been identified in 0.02% (25/126354) of European chromosomes by gnomAD. Additionally, the alanine (Ala) at position 280 is not conserved, with 3 mammals (opossum, Tasmanian devil, wallaby) and >25 evolutionarily distant species carrying a valine (Val) at this position. These data raise the possibility that this change may be tolerated. Importantly, the validity of the GPD1L association with Brugada syndrome has been formally disputed by a ClinGen expert panel (Hosseini 2018). It had been implicated via a linkage-analysis based study (London 2007) resulting in the identification of the p.Ala280Val variant in a single family, in which it segregated with disease in many members (London 2007). However, this study did not convincingly exclude other genes in the linked region (including SCN5A), leaving it unclear whether the p.Ala280Val variant represented the causal variant. In summary, there is conflicting data for this variant and insufficient evidence supporting an association of the GPD1L gene with Brugada. Therefore, the clinical significance of the p.Ala280Val variant is uncertain. ACMG/AMP Criteria applied: PS3_Supporting, PS4_Supporting, BP4_Strong, BS1_Supporting.

Centre for Mendelian Genomics, University Medical Centre Ljubljana
Classification: Uncertain significance for Brugada syndrome 2. Last evaluated: 2018-11-21. Review status: criteria provided, single submitter. Criteria: ACMG Guidelines, 2015. Collection method: clinical testing. Allele origin: unknown. Affected: yes.
Comment: This variant was classified as: Uncertain significance. The available evidence favors the pathogenic nature of this variant, however the currently available data is insufficient to conclusively support its pathogenic nature. Thus this variant is classified as Uncertain significance - favor pathogenic. The following ACMG criteria were applied in classifying this variant: PS3,PP5,BP4.

NM_015141.4(GPD1L):c.839C>T (p.Ala280Val)

Gene: GPD1L (glycerol-3-phosphate dehydrogenase 1 like; plus strand). Cytogenetic location: 3p22.3.
Variant type: single nucleotide variant.
Coding change: c.839C>T on transcript NM_015141.4 (MANE Select); coding-DNA position 839, C replaced by T.
Protein change: p.Ala280Val; replaces alanine 280 with valine.
Molecular consequence: missense variant.
Genome position (GRCh38, 1-based): chr3:32,159,096, C>T. VCF-style: chr3-32159096-C-T. GRCh37 (hg19) VCF-style: chr3-32200588-C-T.
Other names: p.A280V:GCC>GTC; short protein forms A280V.
Identifiers: ClinVar variation 786 (VCV000000786.33), dbSNP rs72552291, ClinGen allele CA334813.